The following is an entry in ClinVar:

ClinVar aggregate classification (germline): Uncertain significance (1 of 4 stars; one submission).

Conditions:
Leber congenital amaurosis 12 (LCA12). Identifiers: Orphanet 65, MedGen C1857743, MONDO:0012525, OMIM 610612.

Submission:

Labcorp Genetics (formerly Invitae), Labcorp
Classification: Uncertain significance for Leber congenital amaurosis 12. Last evaluated: 2021-07-24. Review status: criteria provided, single submitter. Criteria: Invitae Variant Classification Sherloc (09022015). Collection method: clinical testing. Allele origin: germline.
Comment: This variant has not been reported in the literature in individuals with RD3-related conditions. This variant is not present in population databases (ExAC no frequency). This sequence change replaces proline with alanine at codon 21 of the RD3 protein (p.Pro21Ala). The proline residue is highly conserved and there is a small physicochemical difference between proline and alanine. Algorithms developed to predict the effect of missense changes on protein structure and function (SIFT, PolyPhen-2, Align-GVGD) all suggest that this variant is likely to be disruptive, but these predictions have not been confirmed by published functional studies and their clinical significance is uncertain. In summary, the available evidence is currently insufficient to determine the role of this variant in disease. Therefore, it has been classified as a Variant of Uncertain Significance.

NM_001164688.2(RD3):c.61C>G (p.Pro21Ala)

Gene: RD3 (RD3 regulator of GUCY2D; minus strand). Cytogenetic location: 1q32.3.
Variant type: single nucleotide variant.
Coding change: c.61C>G on transcript NM_001164688.2 (MANE Select); coding-DNA position 61, C replaced by G.
Protein change: p.Pro21Ala; replaces proline 21 with alanine.
Molecular consequence: missense variant.
Genome position (GRCh38, 1-based): chr1:211,481,355, G>C on the plus strand (C>G on the coding strand, the complement: RD3 is on the minus strand). VCF-style: chr1-211481355-G-C. GRCh37 (hg19) VCF-style: chr1-211654697-G-C.
Other names: c.61C>G, p.Pro21Ala (NM_183059.3); short protein forms P21A.
Identifiers: ClinVar variation 1351389 (VCV001351389.8), dbSNP rs151172389, ClinGen allele CA344879635.